The following is an entry in ClinVar:

NM_138387.4(G6PC3):c.182G>C (p.Ser61Thr)

Genes: G6PC3 (glucose-6-phosphatase catalytic subunit 3; plus strand), LOC130060959 (ATAC-STARR-seq lymphoblastoid active region 12250; plus strand). Cytogenetic location: 17q21.31.
Variant type: single nucleotide variant.
Coding change: c.182G>C on transcript NM_138387.4 (MANE Select); coding-DNA position 182, G replaced by C.
Protein change: p.Ser61Thr; replaces serine 61 with threonine.
Molecular consequence: missense variant. On other transcripts: 5 prime UTR variant (3), intron variant (1).
Genome position (GRCh38, 1-based): chr17:44,071,147, G>C. VCF-style: chr17-44071147-G-C. GRCh37 (hg19) VCF-style: chr17-42148515-G-C.
Other names: c.182G>C, p.Ser61Thr (NM_001319945.2); c.-223G>C (NM_001384165.1); c.-358G>C (NM_001384166.1); c.-348G>C (NM_001384167.1); c.-312+433G>C (NM_001384168.1); short protein forms S61T.
Identifiers: ClinVar variation 3518064 (VCV003518064.4).
Genomic context (GRCh38, chr17:44,071,147, plus strand): 5'-TCTACTTCCCCGCGGCCTACTACGCCTCCCGCCGTGTGGGCATCGCGGTGCTCTGGATCA[G>C]CCTCATCACCGAGTGGCTCAACCTCATCTTCAAGTGGTGAGACAGAGAAGCCCTCCGGCA-3'
Protein context (NP_612396.1, residues 51-71): RRVGIAVLWI[Ser61Thr]LITEWLNLIF

ClinVar aggregate classification (germline): Uncertain significance. Review status: criteria provided, multiple submitters, no conflicts (2 of 4 stars). 2 submissions from 2 submitters: Uncertain significance (2). Last evaluated 2025-04-28.

Conditions:
Inborn genetic diseases. Identifiers: MedGen C0950123, MeSH D030342.
Autosomal recessive severe congenital neutropenia due to G6PC3 deficiency. Also called: NEUTROPENIA, SEVERE CONGENITAL, 4, AUTOSOMAL RECESSIVE; G6PC3 Deficiency. Identifiers: Orphanet 331176, MedGen C2751630, MONDO:0012930, OMIM 612541.

gnomAD v4.1: 7 of 1,613,804 alleles (0.00043%); highest among the groups gnomAD compares: Non-Finnish European, 0.00059%; no homozygotes.

Submissions (2):

Labcorp Genetics (formerly Invitae), Labcorp
Classification: Uncertain significance for Autosomal recessive severe congenital neutropenia due to G6PC3 deficiency. Last evaluated: 2025-04-28. Review status: criteria provided, single submitter. Criteria: Invitae Variant Classification Sherloc (09022015). Collection method: clinical testing. Allele origin: germline.
Comment: This sequence change replaces serine, which is neutral and polar, with threonine, which is neutral and polar, at codon 61 of the G6PC3 protein (p.Ser61Thr). This variant is present in population databases (no rsID available, gnomAD 0.01%). This variant has not been reported in the literature in individuals affected with G6PC3-related conditions. ClinVar contains an entry for this variant (Variation ID: 3518064). Invitae Evidence Modeling of protein sequence and biophysical properties (such as structural, functional, and spatial information, amino acid conservation, physicochemical variation, residue mobility, and thermodynamic stability) indicates that this missense variant is not expected to disrupt G6PC3 protein function with a negative predictive value of 95%. In summary, the available evidence is currently insufficient to determine the role of this variant in disease. Therefore, it has been classified as a Variant of Uncertain Significance.

Ambry Genetics
Classification: Uncertain significance for Inborn genetic diseases. Last evaluated: 2025-03-24. Review status: criteria provided, single submitter. Criteria: Ambry Variant Classification Scheme 2023. Collection method: clinical testing. Allele origin: germline.